The following is an entry in ClinVar:

ClinVar aggregate classification (germline): Uncertain significance. Review status: criteria provided, multiple submitters, no conflicts (2 of 4 stars). 2 submissions from 2 submitters: Uncertain significance (2). Last evaluated 2023-03-31.

Conditions:
Hereditary cancer-predisposing syndrome. Also called: Neoplastic Syndromes, Hereditary; Tumor predisposition; Hereditary Cancer Syndrome; Hereditary neoplastic syndrome. Identifiers: Orphanet 140162, MedGen C0027672, MeSH D009386, MONDO:0015356.
Ataxia-telangiectasia syndrome (AT). Also called: Ataxia telangiectasia (A-T); ATAXIA-TELANGIECTASIA, COMPLEMENTATION GROUP A; ATAXIA-TELANGIECTASIA, FRESNO VARIANT; Ataxia-telangiectasia; Ataxia-telangiectasia, complementation group E; LOUIS-BAR SYNDROME. Identifiers: Orphanet 100, MedGen C0004135, MONDO:0008840, OMIM 208900.

Submissions (2):

Ambry Genetics
Classification: Uncertain significance for Hereditary cancer-predisposing syndrome. Last evaluated: 2023-03-31. Review status: criteria provided, single submitter. Criteria: Ambry Variant Classification Scheme 2023. Collection method: clinical testing. Allele origin: germline.
Comment: The p.Q2730H variant (also known as c.8190G>C), located in coding exon 55 of the ATM gene, results from a G to C substitution at nucleotide position 8190. The glutamine at codon 2730 is replaced by histidine, an amino acid with highly similar properties. This amino acid position is highly conserved in available vertebrate species. In addition, this alteration is predicted to be deleterious by in silico analysis. Since supporting evidence is limited at this time, the clinical significance of this alteration remains unclear.

Labcorp Genetics (formerly Invitae), Labcorp
Classification: Uncertain significance for Ataxia-telangiectasia syndrome. Last evaluated: 2020-03-18. Review status: criteria provided, single submitter. Criteria: Invitae Variant Classification Sherloc (09022015). Collection method: clinical testing. Allele origin: germline.
Comment: This variant disrupts the p.Gln2730 amino acid residue in ATM. Other variant(s) that disrupt this residue have been determined to be pathogenic (PMID: 16189143, 19431188, 22869595). This suggests that this residue is clinically significant, and that variants that disrupt this residue are likely to be disease-causing. In summary, the available evidence is currently insufficient to determine the role of this variant in disease. Therefore, it has been classified as a Variant of Uncertain Significance. Algorithms developed to predict the effect of missense changes on protein structure and function are either unavailable or do not agree on the potential impact of this missense change (SIFT: "Deleterious"; PolyPhen-2: "Probably Damaging"; Align-GVGD: "Class C15"). This variant has not been reported in the literature in individuals with ATM-related conditions. This variant is not present in population databases (ExAC no frequency). This sequence change replaces glutamine with histidine at codon 2730 of the ATM protein (p.Gln2730His). The glutamine residue is highly conserved and there is a small physicochemical difference between glutamine and histidine.

Literature cited by the submitters: PubMed 16189143 (cited by Labcorp Genetics (formerly Invitae), Labcorp); PubMed 19431188 (cited by Labcorp Genetics (formerly Invitae), Labcorp); PubMed 22869595 (cited by Labcorp Genetics (formerly Invitae), Labcorp).

NM_000051.4(ATM):c.8190G>C (p.Gln2730His)

Genes: ATM (ATM serine/threonine kinase; plus strand), C11orf65 (chromosome 11 open reading frame 65; minus strand). Cytogenetic location: 11q22.3.
Variant type: single nucleotide variant.
Coding change: c.8190G>C on transcript NM_000051.4 (MANE Select); coding-DNA position 8190, G replaced by C.
Protein change: p.Gln2730His; replaces glutamine 2730 with histidine.
Molecular consequence: missense variant. On other transcripts: intron variant (2).
Genome position (GRCh38, 1-based): chr11:108,335,883, G>C. VCF-style: chr11-108335883-G-C. GRCh37 (hg19) VCF-style: chr11-108206610-G-C.
Other names: c.8190G>C, p.Gln2730His (NM_001351834.2); c.641-26812C>G (NM_001330368.2); c.695-591C>G (NM_001351110.2); short protein forms Q2730H.
Identifiers: ClinVar variation 1007499 (VCV001007499.11), dbSNP rs2086788941, ClinGen allele CA382562536.